The following is an entry in ClinVar:

NM_001083962.2(TCF4):c.1650-3C>T

Gene: TCF4 (transcription factor 4; minus strand). Cytogenetic location: 18q21.2.
Variant type: single nucleotide variant.
Coding change: c.1650-3C>T on transcript NM_001083962.2 (MANE Select); 3 bases into the intron before coding-DNA position 1650, C replaced by T.
Molecular consequence: intron variant.
Genome position (GRCh38, 1-based): chr18:55,229,079, G>A on the plus strand (C>T on the coding strand, the complement: TCF4 is on the minus strand). VCF-style: chr18-55229079-G-A. GRCh37 (hg19) VCF-style: chr18-52896310-G-A.
Other names: c.1956-3C>T (NM_001243226.3); c.1563-3C>T (NM_001369584.1, NM_001369585.1, NM_001348220.1); c.1575-3C>T (NM_001369576.1, NM_001369577.1, NM_001369578.1 and 3 more transcripts); c.1566-3C>T (NM_001369582.1, NM_001369583.1, NM_001348219.2 and 1 more transcripts); c.1578-3C>T (NM_001243227.2, NM_001369575.1, NM_001348218.2 and 1 more transcripts); c.1581-3C>T (NM_001369586.1); c.1638-3C>T (NM_001369571.1, NM_001369572.1, NM_003199.3); c.1650-3C>T (NM_001369567.1, NM_001369568.1); and 14 more.
Identifiers: ClinVar variation 3775238 (VCV003775238.1).

ClinVar aggregate classification (germline): Uncertain significance (1 of 4 stars; one submission).

Conditions:
Pitt-Hopkins syndrome (PTHS). Also called: MENTAL RETARDATION, SYNDROMAL, WITH INTERMITTENT HYPERVENTILATION; ENCEPHALOPATHY, SEVERE EPILEPTIC, WITH AUTONOMIC DYSFUNCTION. Identifiers: Orphanet 2896, MedGen C1970431, MONDO:0012589, OMIM 610954.

Submission:

3billion
Classification: Uncertain significance for Pitt-Hopkins syndrome. Last evaluated: 2023-08-02. Review status: criteria provided, single submitter. Criteria: ACMG Guidelines, 2015. Collection method: clinical testing. Allele origin: germline. Affected: yes.
Comment: The variant is not observed in the gnomAD v2.1.1 dataset. Predicted Consequence/Location: Intron variant In silico tools predict the variant to alter splicing and produce an abnormal transcript [SpliceAI: 0.22 (>=0.2, moderate evidence for spliceogenicity)]. Functional studies are recommended to observe the exact consequence. Therefore, this variant is classified as VUS according to the recommendation of ACMG/AMP guideline.